The following is an entry in ClinVar:

ClinVar aggregate classification (germline): Benign/Likely benign. Review status: criteria provided, multiple submitters, no conflicts (2 of 4 stars). 6 submissions from 6 submitters: Benign (4); Likely benign (2). Last evaluated 2026-01-16.

Conditions:
Macrothrombocytopenia and granulocyte inclusions with or without nephritis or sensorineural hearing loss (MATINS). Also called: BLEEDING DISORDER, PLATELET-TYPE, 6; DOHLE LEUKOCYTE INCLUSIONS WITH GIANT PLATELETS; MACROTHROMBOCYTOPENIA WITH LEUKOCYTE INCLUSIONS; SEBASTIAN PLATELET SYNDROME; MACROTHROMBOCYTOPENIA WITH DISPERSED LEUKOCYTIC INCLUSIONS; MACROTHROMBOCYTOPENIA, NEPHRITIS, AND DEAFNESS. Identifiers: Orphanet 182050, MedGen C5200934, MONDO:0015912, OMIM 155100.
Autosomal dominant nonsyndromic hearing loss 17. Also called: Deafness, autosomal dominant 17; Autosomal dominant nonsyndromic deafness 17. Identifiers: Orphanet 90635, MedGen C1863659, MONDO:0011350, OMIM 603622.

Allele frequency attached by ClinVar (database versions not stated): gnomAD exomes 0.00030 and 0.00084; ExAC 0.00106; 1000 Genomes Project 30x 0.00125; 1000 Genomes Project 0.00140; gnomAD 0.00334 and 0.00377; TOPMed 0.00403; ESP Exome Variant Server 0.00492.
gnomAD v4.1: 983 of 1,613,058 alleles (0.061%); highest among the groups gnomAD compares: African/African-American, 1.2%; 7 homozygotes.

Submissions (6):

Labcorp Genetics (formerly Invitae), Labcorp
Classification: Benign. Last evaluated: 2026-01-16. Review status: criteria provided, single submitter. Criteria: Invitae Variant Classification Sherloc (09022015). Collection method: clinical testing. Allele origin: germline.

Blueprint Genetics
Classification: Likely benign. Last evaluated: 2024-11-20. Review status: criteria provided, single submitter. Criteria: ACMG Guidelines, 2015. Collection method: clinical testing. Allele origin: germline.

ARUP Laboratories, Molecular Genetics and Genomics, ARUP Laboratories
Classification: Benign. Last evaluated: 2023-12-11. Review status: criteria provided, single submitter. Criteria: ARUP Molecular Germline Variant Investigation Process 2024. Collection method: clinical testing. Allele origin: germline.

Fulgent Genetics
Classification: Benign for Macrothrombocytopenia and granulocyte inclusions with or without nephritis or sensorineural hearing loss; Autosomal dominant nonsyndromic hearing loss 17. Last evaluated: 2021-10-13. Review status: criteria provided, single submitter. Criteria: ACMG Guidelines, 2015. Collection method: clinical testing. Allele origin: unknown.

GeneDx
Classification: Likely benign. Last evaluated: 2018-08-06. Review status: criteria provided, single submitter. Criteria: GeneDx Variant Classification Process June 2021. Collection method: clinical testing. Allele origin: germline. Affected: yes.

Laboratory for Molecular Medicine, Mass General Brigham Personalized Medicine
Classification: Benign. Last evaluated: 2012-04-30. Review status: criteria provided, single submitter. Criteria: LMM Criteria. Collection method: clinical testing. Allele origin: germline. Observed: 3 variant alleles.
Comment: 2229+13G>T in Intron 18 of MYH9: This variant is not expected to have clinical s ignificance because it is not located within the conserved splice consensus sequ ence and has been identified in 1.6% (59/3738) of African American chromosomes f rom a broad population by the NHLBI Exome Sequencing Project (dbSNP rs139146113).

NM_002473.6(MYH9):c.2229+13G>T

Gene: MYH9 (myosin heavy chain 9; minus strand). Cytogenetic location: 22q12.3.
Variant type: single nucleotide variant.
Coding change: c.2229+13G>T on transcript NM_002473.6 (MANE Select); 13 bases into the intron after coding-DNA position 2229, G replaced by T.
Molecular consequence: intron variant.
Genome position (GRCh38, 1-based): chr22:36,305,020, C>A on the plus strand (G>T on the coding strand, the complement: MYH9 is on the minus strand). VCF-style: chr22-36305020-C-A. GRCh37 (hg19) VCF-style: chr22-36701066-C-A.
Identifiers: ClinVar variation 164454 (VCV000164454.17), dbSNP rs139146113, ClinGen allele CA177133.